The following is an entry in ClinVar:

ClinVar aggregate classification (germline): Uncertain significance. Review status: criteria provided, multiple submitters, no conflicts (2 of 4 stars). 3 submissions from 3 submitters: Uncertain significance (3). Last evaluated 2023-07-28.

Conditions:
Hereditary cancer-predisposing syndrome. Also called: Neoplastic Syndromes, Hereditary; Tumor predisposition; Hereditary Cancer Syndrome; Hereditary neoplastic syndrome. Identifiers: Orphanet 140162, MedGen C0027672, MeSH D009386, MONDO:0015356.
Familial cancer of breast. Also called: BREAST CANCER, FAMILIAL; hereditary breast carcinoma; Hereditary breast cancer. Identifiers: Orphanet 227535, MedGen C0346153, MONDO:0016419, OMIM 114480. Disease mechanism: loss of function.

gnomAD v4.1: 1 of 1,582,028 alleles (0.000063%); highest among the groups gnomAD compares: Non-Finnish European, 0.000086%; no homozygotes.

Submissions (3):

Labcorp Genetics (formerly Invitae), Labcorp
Classification: Uncertain significance for Familial cancer of breast. Last evaluated: 2023-07-28. Review status: criteria provided, single submitter. Criteria: Invitae Variant Classification Sherloc (09022015). Collection method: clinical testing. Allele origin: germline.
Comment: In summary, the available evidence is currently insufficient to determine the role of this variant in disease. Therefore, it has been classified as a Variant of Uncertain Significance. An algorithm developed to predict the effect of missense changes on protein structure and function (PolyPhen-2) suggests that this variant is likely to be tolerated. ClinVar contains an entry for this variant (Variation ID: 924044). This variant has not been reported in the literature in individuals affected with BARD1-related conditions. This variant is not present in population databases (gnomAD no frequency). This sequence change replaces asparagine, which is neutral and polar, with threonine, which is neutral and polar, at codon 255 of the BARD1 protein (p.Asn255Thr).

Ambry Genetics
Classification: Uncertain significance for Hereditary cancer-predisposing syndrome. Last evaluated: 2023-01-09. Review status: criteria provided, single submitter. Criteria: Ambry Variant Classification Scheme 2023. Collection method: clinical testing. Allele origin: germline.
Comment: The p.N255T variant (also known as c.764A>C), located in coding exon 4 of the BARD1 gene, results from an A to C substitution at nucleotide position 764. The asparagine at codon 255 is replaced by threonine, an amino acid with similar properties. This amino acid position is not well conserved in available vertebrate species. In addition, this alteration is predicted to be tolerated by in silico analysis. Since supporting evidence is limited at this time, the clinical significance of this alteration remains unclear.

Color Diagnostics, LLC DBA Color Health
Classification: Uncertain significance for Hereditary cancer-predisposing syndrome. Last evaluated: 2019-06-24. Review status: criteria provided, single submitter. Criteria: ACMG Guidelines, 2015. Collection method: clinical testing. Allele origin: germline.

NM_000465.4(BARD1):c.764A>C (p.Asn255Thr)

Gene: BARD1 (BRCA1 associated RING domain 1; minus strand). Cytogenetic location: 2q35.
Variant type: single nucleotide variant.
Coding change: c.764A>C on transcript NM_000465.4 (MANE Select); coding-DNA position 764, A replaced by C.
Protein change: p.Asn255Thr; replaces asparagine 255 with threonine.
Molecular consequence: missense variant. On other transcripts: non-coding transcript variant (2), intron variant (3).
Genome position (GRCh38, 1-based): chr2:214,781,110, T>G on the plus strand (A>C on the coding strand, the complement: BARD1 is on the minus strand). VCF-style: chr2-214781110-T-G. GRCh37 (hg19) VCF-style: chr2-215645834-T-G.
Other names: c.707A>C, p.Asn236Thr (NM_001282543.2); c.158+28302A>C (NM_001282548.2); c.215+15951A>C (NM_001282545.2); c.364+11187A>C (NM_001282549.2); c.764A>C (NM_000465.2); short protein forms N236T, N255T.
Identifiers: ClinVar variation 924044 (VCV000924044.7), dbSNP rs138904906, ClinGen allele CA350455959.